The following is an entry in ClinVar:

NM_024675.4(PALB2):c.3404G>C (p.Gly1135Ala)

Gene: PALB2 (partner and localizer of BRCA2; minus strand). Cytogenetic location: 16p12.2.
Variant type: single nucleotide variant.
Coding change: c.3404G>C on transcript NM_024675.4 (MANE Select); coding-DNA position 3404, G replaced by C.
Protein change: p.Gly1135Ala; replaces glycine 1135 with alanine.
Molecular consequence: missense variant.
Genome position (GRCh38, 1-based): chr16:23,603,616, C>G on the plus strand (G>C on the coding strand, the complement: PALB2 is on the minus strand). VCF-style: chr16-23603616-C-G. GRCh37 (hg19) VCF-style: chr16-23614937-C-G.
Other names: short protein forms G1135A.
Identifiers: ClinVar variation 484212 (VCV000484212.9), dbSNP rs730881894, ClinGen allele CA395138240.

ClinVar aggregate classification (germline): Uncertain significance. Review status: criteria provided, multiple submitters, no conflicts (2 of 4 stars). 4 submissions from 4 submitters: Uncertain significance (4). Last evaluated 2024-05-02.

Conditions:
Hereditary cancer-predisposing syndrome. Also called: Neoplastic Syndromes, Hereditary; Tumor predisposition; Hereditary Cancer Syndrome; Hereditary neoplastic syndrome. Identifiers: Orphanet 140162, MedGen C0027672, MeSH D009386, MONDO:0015356.
Familial cancer of breast. Also called: BREAST CANCER, FAMILIAL; Hereditary breast cancer; hereditary breast carcinoma. Identifiers: Orphanet 227535, MedGen C0346153, MONDO:0016419, OMIM 114480. Disease mechanism: loss of function.

Submissions (4):

Labcorp Genetics (formerly Invitae), Labcorp
Classification: Uncertain significance for Familial cancer of breast. Last evaluated: 2024-05-02. Review status: criteria provided, single submitter. Criteria: Invitae Variant Classification Sherloc (09022015). Collection method: clinical testing. Allele origin: germline.
Comment: This sequence change replaces glycine, which is neutral and non-polar, with alanine, which is neutral and non-polar, at codon 1135 of the PALB2 protein (p.Gly1135Ala). This variant is present in population databases (no rsID available, gnomAD 0.0009%). This variant has not been reported in the literature in individuals affected with PALB2-related conditions. ClinVar contains an entry for this variant (Variation ID: 484212). An algorithm developed to predict the effect of missense changes on protein structure and function (PolyPhen-2) suggests that this variant is likely to be disruptive. In summary, the available evidence is currently insufficient to determine the role of this variant in disease. Therefore, it has been classified as a Variant of Uncertain Significance.

Baylor Genetics
Classification: Uncertain significance for Familial cancer of breast. Last evaluated: 2023-11-13. Review status: criteria provided, single submitter. Criteria: ACMG Guidelines, 2015. Collection method: clinical testing. Allele origin: unknown.

Clinical Genetics Laboratory, Skane University Hospital Lund
Classification: Uncertain significance. Last evaluated: 2023-03-02. Review status: criteria provided, single submitter. Criteria: ACMG Guidelines, 2015. Collection method: clinical testing. Allele origin: germline. Affected: yes.

Ambry Genetics
Classification: Uncertain significance for Hereditary cancer-predisposing syndrome. Last evaluated: 2020-02-04. Review status: criteria provided, single submitter. Criteria: Ambry Variant Classification Scheme 2023. Collection method: clinical testing. Allele origin: germline.
Comment: The p.G1135A variant (also known as c.3404G>C), located in coding exon 13 of the PALB2 gene, results from a G to C substitution at nucleotide position 3404. The glycine at codon 1135 is replaced by alanine, an amino acid with similar properties. This amino acid position is well conserved in available vertebrate species. In addition, the in silico prediction for this alteration is inconclusive. Since supporting evidence is limited at this time, the clinical significance of this alteration remains unclear.